The following is an entry in ClinVar:

NM_015046.7(SETX):c.5535C>T (p.Arg1845=)

Gene: SETX (senataxin; minus strand). Cytogenetic location: 9q34.13.
Variant type: single nucleotide variant.
Coding change: c.5535C>T on transcript NM_015046.7 (MANE Select); coding-DNA position 5535, C replaced by T.
Protein change: p.Arg1845=; no amino-acid change (arginine 1845 retained).
Molecular consequence: synonymous variant.
Genome position (GRCh38, 1-based): chr9:132,300,643, G>A on the plus strand (C>T on the coding strand, the complement: SETX is on the minus strand). VCF-style: chr9-132300643-G-A. GRCh37 (hg19) VCF-style: chr9-135176030-G-A.
Other names: c.5535C>T, p.Arg1845= (NM_001351527.2, NM_001351528.2).
Identifiers: ClinVar variation 805423 (VCV000805423.38), dbSNP rs200433173, ClinGen allele CA5296964.

ClinVar aggregate classification (germline): Benign/Likely benign. Review status: criteria provided, multiple submitters, no conflicts (2 of 4 stars). 6 submissions from 5 submitters: Benign (2); Likely benign (3). 1 of the submissions does not count toward it. Last evaluated 2023-02-08.

Conditions:
SETX-related disorder. Also called: SETX-related condition; SETX-related disorders. Identifiers: MedGen CN239403.
Amyotrophic lateral sclerosis type 4 (ALS4). Also called: NEURONOPATHY, DISTAL HEREDITARY MOTOR, WITH PYRAMIDAL FEATURES; AMYOTROPHIC LATERAL SCLEROSIS 4, JUVENILE. Identifiers: Orphanet 357043, MedGen C1865409, MONDO:0011223, OMIM 602433.
Spinocerebellar ataxia, autosomal recessive, with axonal neuropathy 2 (SCAN2). Also called: Ataxia with Oculomotor Apraxia; ATAXIA-OCULOMOTOR APRAXIA 2; Ataxia-ocular apraxia-2; Ataxia with Oculomotor Apraxia Type 2. Identifiers: Orphanet 64753, MedGen C1853761, MONDO:0018996, OMIM 606002.

Allele frequency attached by ClinVar (database versions not stated): gnomAD 0.00002; gnomAD exomes 0.00002 and 0.00004; TOPMed 0.00003; ExAC 0.00005; ESP Exome Variant Server 0.00008; 1000 Genomes Project 30x 0.00016; 1000 Genomes Project 0.00020.
gnomAD v4.1: 39 of 1,613,614 alleles (0.0024%); highest among the groups gnomAD compares: Non-Finnish European, 0.0028%; 1 homozygote.

Submissions (6):

Genome-Nilou Lab
Classification: Likely benign for Spinocerebellar ataxia, autosomal recessive, with axonal neuropathy 2. Last evaluated: 2023-02-08. Review status: criteria provided, single submitter. Criteria: ACMG Guidelines, 2015. Collection method: clinical testing. Allele origin: germline.

Genome-Nilou Lab
Classification: Likely benign for Amyotrophic lateral sclerosis type 4. Last evaluated: 2023-02-08. Review status: criteria provided, single submitter. Criteria: ACMG Guidelines, 2015. Collection method: clinical testing. Allele origin: germline.

Labcorp Genetics (formerly Invitae), Labcorp
Classification: Benign for Amyotrophic lateral sclerosis type 4; Spinocerebellar ataxia, autosomal recessive, with axonal neuropathy 2. Last evaluated: 2022-07-13. Review status: criteria provided, single submitter. Criteria: Invitae Variant Classification Sherloc (09022015). Collection method: clinical testing. Allele origin: germline.

CeGaT Center for Human Genetics Tuebingen
Classification: Likely benign. Last evaluated: 2022-05-01. Review status: criteria provided, single submitter. Criteria: CeGaT Center For Human Genetics Tuebingen Variant Classification Criteria Version 2. Collection method: clinical testing. Allele origin: germline. Affected: yes. Observed: 1 variant allele.
Comment: SETX: BP4, BP7

Athena Diagnostics
Classification: Benign. Last evaluated: 2018-11-16. Review status: criteria provided, single submitter. Criteria: Athena Diagnostics Criteria. Collection method: clinical testing. Allele origin: germline.

PreventionGenetics, part of Exact Sciences
Classification: Likely benign for SETX-related condition. Last evaluated: 2023-07-07. Review status: no assertion criteria provided. Collection method: clinical testing. Allele origin: germline. Not counted in ClinVar's aggregate classification.
Comment: This variant is classified as likely benign based on ACMG/AMP sequence variant interpretation guidelines (Richards et al. 2015 PMID: 25741868, with internal and published modifications).